The following is an entry in ClinVar:

ClinVar aggregate classification (germline): Uncertain significance (1 of 4 stars; one submission).

Conditions:
GRN-related frontotemporal lobar degeneration with Tdp43 inclusions (FTD2). Also called: DEMENTIA, HEREDITARY DYSPHASIC DISINHIBITION; FRONTOTEMPORAL LOBAR DEGENERATION WITH UBIQUITIN-POSITIVE INCLUSIONS; FTLD-TDP, GRN-RELATED; GRN Frontotemporal Dementia; FRONTOTEMPORAL DEMENTIA WITH TDP43 INCLUSIONS, GRN-RELATED. Identifiers: Orphanet 100070, Orphanet 282, MedGen C1843792, MONDO:0011842, OMIM 607485. Disease mechanism: loss of function.
Neuronal ceroid lipofuscinosis 11. Also called: GRN-Related Neuronal Ceroid-Lipofuscinosis. Identifiers: Orphanet 314629, Orphanet 79262, MedGen C3539123, MONDO:0013866, OMIM 614706.

Allele frequency attached by ClinVar (database versions not stated): gnomAD exomes below 0.00001 and 0.00001; ExAC 0.00001.

Submission:

Labcorp Genetics (formerly Invitae), Labcorp
Classification: Uncertain significance for Neuronal ceroid lipofuscinosis 11; GRN-related frontotemporal lobar degeneration with Tdp43 inclusions. Last evaluated: 2024-01-24. Review status: criteria provided, single submitter. Criteria: Invitae Variant Classification Sherloc (09022015). Collection method: clinical testing. Allele origin: germline.
Comment: This sequence change replaces glutamine, which is neutral and polar, with leucine, which is neutral and non-polar, at codon 415 of the GRN protein (p.Gln415Leu). This variant is present in population databases (rs749595402, gnomAD 0.006%). This variant has not been reported in the literature in individuals affected with GRN-related conditions. ClinVar contains an entry for this variant (Variation ID: 1467939). Advanced modeling of protein sequence and biophysical properties (such as structural, functional, and spatial information, amino acid conservation, physicochemical variation, residue mobility, and thermodynamic stability) performed at Invitae indicates that this missense variant is not expected to disrupt GRN protein function with a negative predictive value of 80%. In summary, the available evidence is currently insufficient to determine the role of this variant in disease. Therefore, it has been classified as a Variant of Uncertain Significance.

NM_002087.4(GRN):c.1244A>T (p.Gln415Leu)

Gene: GRN (granulin precursor; plus strand). Cytogenetic location: 17q21.31.
Variant type: single nucleotide variant.
Coding change: c.1244A>T on transcript NM_002087.4 (MANE Select); coding-DNA position 1244, A replaced by T.
Protein change: p.Gln415Leu; replaces glutamine 415 with leucine.
Molecular consequence: missense variant.
Genome position (GRCh38, 1-based): chr17:44,352,079, A>T. VCF-style: chr17-44352079-A-T. GRCh37 (hg19) VCF-style: chr17-42429447-A-T.
Other names: short protein forms Q415L.
Identifiers: ClinVar variation 1467939 (VCV001467939.6), dbSNP rs749595402, ClinGen allele CA8602153.